The following is an entry in ClinVar:

ClinVar aggregate classification (germline): Uncertain significance (1 of 4 stars; one submission).

Submission:

Ambry Genetics
Classification: Uncertain significance. Last evaluated: 2024-08-19. Review status: criteria provided, single submitter. Criteria: Ambry Variant Classification Scheme 2023. Collection method: clinical testing. Allele origin: germline.
Comment: The p.L1049F variant (also known as c.3147G>T), located in coding exon 25 of the BUB1 gene, results from a G to T substitution at nucleotide position 3147. The leucine at codon 1049 is replaced by phenylalanine, an amino acid with highly similar properties. This amino acid position is conserved. In addition, this alteration is predicted to be tolerated by in silico analysis. Based on the available evidence, the clinical significance of this variant remains unclear.

NM_004336.5(BUB1):c.3147G>T (p.Leu1049Phe)

Gene: BUB1 (BUB1 mitotic checkpoint serine/threonine kinase; minus strand). Cytogenetic location: 2q13.
Variant type: single nucleotide variant.
Coding change: c.3147G>T on transcript NM_004336.5 (MANE Select); coding-DNA position 3147, G replaced by T.
Protein change: p.Leu1049Phe; replaces leucine 1049 with phenylalanine.
Molecular consequence: missense variant.
Genome position (GRCh38, 1-based): chr2:110,638,075, C>A on the plus strand (G>T on the coding strand, the complement: BUB1 is on the minus strand). VCF-style: chr2-110638075-C-A. GRCh37 (hg19) VCF-style: chr2-111395652-C-A.
Other names: c.3087G>T, p.Leu1029Phe (NM_001278616.2); c.2976G>T, p.Leu992Phe (NM_001278617.2); short protein forms L1029F, L1049F, L992F.
Identifiers: ClinVar variation 3483047 (VCV003483047.1).
Genomic context (GRCh38, chr2:110,638,075, plus strand): 5'-TAGGGCCCTAATCTTGTTAGTATAGTGTTGTTGAAATACTTTCTTCAGCTTTTGCCTTAA[C>A]AAATCCAAAGATGGAAGATGATGACAATCTGGAATATTCAACATAACATGAAAAAATTCA-3'
Protein context (NP_004327.1, residues 1039-1059): PDCHHLPSLD[Leu1049Phe]LRQKLKKVFQ